The following is an entry in ClinVar:

ClinVar aggregate classification (germline): Uncertain significance (1 of 4 stars; one submission).

Conditions:
Cardiac valvular dysplasia 2 (CVDP2). Identifiers: MedGen C5774226, MONDO:0859572, OMIM 620067.

gnomAD v4.1: 3 of 1,612,572 alleles (0.00019%); highest among the groups gnomAD compares: Non-Finnish European, 0.00017%; no homozygotes.

Submission:

Clinical Genomics Laboratory, Washington University in St. Louis
Classification: Uncertain significance for Cardiac valvular dysplasia 2. Last evaluated: 2023-12-11. Review status: criteria provided, single submitter. Criteria: ACMG Guidelines, 2015. Collection method: clinical testing. Allele origin: germline.
Comment: The ADAMTS19 c.1596G>C (p.Lys532Asn) variant, to our knowledge, has not been reported in the medical literature and is absent from the general population (gnomAD v.2.1.1), indicating it is not a common variant. Computational predictors are uncertain as to the impact of this variant on ADAMTS19 function. Due to limited information, and based on ACMG/AMP guidelines for variant interpretation (Richards S et al., PMID: 25741868), the clinical significance of this variant is uncertain at this time.

NM_133638.6(ADAMTS19):c.1596G>C (p.Lys532Asn)

Gene: ADAMTS19 (ADAM metallopeptidase with thrombospondin type 1 motif 19; plus strand). Cytogenetic location: 5q23.3.
Variant type: single nucleotide variant.
Coding change: c.1596G>C on transcript NM_133638.6 (MANE Select); coding-DNA position 1596, G replaced by C.
Protein change: p.Lys532Asn; replaces lysine 532 with asparagine.
Molecular consequence: missense variant.
Genome position (GRCh38, 1-based): chr5:129,620,735, G>C. VCF-style: chr5-129620735-G-C. GRCh37 (hg19) VCF-style: chr5-128956428-G-C.
Other names: short protein forms K532N.
Identifiers: ClinVar variation 3236630 (VCV003236630.1), dbSNP rs2480230403, ClinGen allele CA360767211.